The following is an entry in ClinVar:

NM_003954.5(MAP3K14):c.2706C>G (p.Val902=)

Genes: MAP3K14 (mitogen-activated protein kinase kinase kinase 14; minus strand), MAP3K14-AS1 (MAP3K14 antisense RNA 1; plus strand). Cytogenetic location: 17q21.31.
Variant type: single nucleotide variant.
Coding change: c.2706C>G on transcript NM_003954.5 (MANE Select); coding-DNA position 2706, C replaced by G.
Protein change: p.Val902=; no amino-acid change (valine 902 retained).
Molecular consequence: synonymous variant.
Genome position (GRCh38, 1-based): chr17:45,264,774, G>C on the plus strand (C>G on the coding strand, the complement: MAP3K14 is on the minus strand). VCF-style: chr17-45264774-G-C. GRCh37 (hg19) VCF-style: chr17-43342141-G-C.
Identifiers: ClinVar variation 1170667 (VCV001170667.13), dbSNP rs1047833, ClinGen allele CA8613786.

ClinVar aggregate classification (germline): Benign. Review status: criteria provided, multiple submitters, no conflicts (2 of 4 stars). 3 submissions from 3 submitters: Benign (3). Last evaluated 2026-02-04.

Conditions:
NIK deficiency. Also called: Primary immunodeficiency with multifaceted aberrant lymphoid immunity. Identifiers: Orphanet 447731, MedGen C5680065, MONDO:0018642.

Allele frequency attached by ClinVar (database versions not stated): gnomAD exomes 0.71630 and 0.72239; 1000 Genomes Project 0.71825; gnomAD 0.73998 and 0.74340; ExAC 0.71728; 1000 Genomes Project 30x 0.72330; ESP Exome Variant Server 0.74709; TOPMed 0.74418.
gnomAD v4.1: 1,167,583 of 1,612,602 alleles (72%); highest among the groups gnomAD compares: African/African-American, 78%; 423,481 homozygotes.

Submissions (3):

Labcorp Genetics (formerly Invitae), Labcorp
Classification: Benign for NIK deficiency. Last evaluated: 2026-02-04. Review status: criteria provided, single submitter. Criteria: Invitae Variant Classification Sherloc (09022015). Collection method: clinical testing. Allele origin: germline.

Unidad de Genómica Garrahan, Hospital de Pediatría Garrahan
Classification: Benign. Last evaluated: 2023-11-12. Review status: criteria provided, single submitter. Criteria: ACMG Guidelines, 2015. Collection method: clinical testing. Allele origin: germline. Affected: no. Observed: 93 variant alleles.
Comment: This variant is classified as Benign based on local population frequency. This variant was detected in 97% of patients studied by a panel of primary immunodeficiencies. Number of patients: 93. Only high quality variants are reported.

Breakthrough Genomics
Classification: Benign. Review status: criteria provided, single submitter. Criteria: ACMG Guidelines, 2015. Collection method: not provided. Allele origin: germline. Inheritance: Unknown mechanism. Affected: yes.